The following is an entry in ClinVar:

NM_000787.4(DBH):c.892G>A (p.Val298Met)

Gene: DBH (dopamine beta-hydroxylase; plus strand). Cytogenetic location: 9q34.2.
Variant type: single nucleotide variant.
Coding change: c.892G>A on transcript NM_000787.4 (MANE Select); coding-DNA position 892, G replaced by A.
Protein change: p.Val298Met; replaces valine 298 with methionine.
Molecular consequence: missense variant.
Genome position (GRCh38, 1-based): chr9:133,643,560, G>A. VCF-style: chr9-133643560-G-A. GRCh37 (hg19) VCF-style: chr9-136508682-G-A.
Other names: short protein forms V298M.
Identifiers: ClinVar variation 915046 (VCV000915046.7), dbSNP rs145655199, ClinGen allele CA5313223.

ClinVar aggregate classification (germline): Conflicting classifications of pathogenicity. Review status: criteria provided, conflicting classifications (1 of 4 stars). 3 submissions from 3 submitters: Uncertain significance (2); Likely benign (1). Last evaluated 2026-07-07.

Conditions:
DBH-related disorder. Also called: DBH-related condition.
Orthostatic hypotension 1 (ORTHYP1). Also called: Dopamine beta-hydroxylase deficiency; Orthostatic hypotension 1, due to DBH deficiency; NORADRENALINE DEFICIENCY; NOREPINEPHRINE DEFICIENCY. Identifiers: Orphanet 230, MedGen C4746777, MONDO:0009123, OMIM 223360.

Allele frequency attached by ClinVar (database versions not stated): gnomAD exomes 0.00007 and 0.00015; ExAC 0.00022; gnomAD 0.00043 and 0.00044; TOPMed 0.00046; 1000 Genomes Project 0.00060; ESP Exome Variant Server 0.00069; 1000 Genomes Project 30x 0.00094.
gnomAD v4.1: 165 of 1,613,360 alleles (0.01%); highest among the groups gnomAD compares: African/African-American, 0.17%; no homozygotes.

Submissions (3):

PreventionGenetics, part of Exact Sciences
Classification: Likely benign for DBH-related condition. Last evaluated: 2026-07-07. Review status: criteria provided, single submitter. Criteria: ACMG Guidelines, 2015. Collection method: clinical testing. Allele origin: germline.
Comment: This variant is classified as likely benign based on ACMG/AMP sequence variant interpretation guidelines (Richards et al. 2015 PMID: 25741868, with internal and published modifications).

Labcorp Genetics (formerly Invitae), Labcorp
Classification: Uncertain significance for Orthostatic hypotension 1. Last evaluated: 2023-08-17. Review status: criteria provided, single submitter. Criteria: Invitae Variant Classification Sherloc (09022015). Collection method: clinical testing. Allele origin: germline.
Comment: In summary, the available evidence is currently insufficient to determine the role of this variant in disease. Therefore, it has been classified as a Variant of Uncertain Significance. Advanced modeling of protein sequence and biophysical properties (such as structural, functional, and spatial information, amino acid conservation, physicochemical variation, residue mobility, and thermodynamic stability) performed at Invitae indicates that this missense variant is expected to disrupt DBH protein function. ClinVar contains an entry for this variant (Variation ID: 915046). This variant has not been reported in the literature in individuals affected with DBH-related conditions. This variant is present in population databases (rs145655199, gnomAD 0.2%). This sequence change replaces valine, which is neutral and non-polar, with methionine, which is neutral and non-polar, at codon 298 of the DBH protein (p.Val298Met).

Illumina Laboratory Services, Illumina
Classification: Uncertain significance for Orthostatic hypotension 1. Last evaluated: 2017-04-27. Review status: criteria provided, single submitter. Criteria: ICSL Variant Classification Criteria 13 December 2019. Collection method: clinical testing. Allele origin: germline.